The following is an entry in ClinVar:

ClinVar aggregate classification (germline): Pathogenic (1 of 4 stars; one submission).

Conditions:
Encephalocraniocutaneous lipomatosis (ECCL). Identifiers: Orphanet 2396, MedGen C0406612, MONDO:0013074, OMIM 613001.

Submission:

Centre for Mendelian Genomics, University Medical Centre Ljubljana
Classification: Pathogenic for Encephalocraniocutaneous lipomatosis. Last evaluated: 2016-01-01. Review status: criteria provided, single submitter. Criteria: ACMG Guidelines, 2015. Collection method: clinical testing. Allele origin: unknown. Affected: yes.
Comment: This variant was classified as: Pathogenic. The following ACMG criteria were applied in classifying this variant: PVS1,PM2,PP4.

NM_023110.3(FGFR1):c.1671del (p.Leu557fs)

Gene: FGFR1 (fibroblast growth factor receptor 1; minus strand). Cytogenetic location: 8p11.23.
Variant type: Deletion.
Coding change: c.1671del on transcript NM_023110.3 (MANE Select); coding-DNA position 1671, one base deleted (G; older notation c.1671delG).
Protein change: p.Leu557fs; shifts the reading frame from leucine 557.
Molecular consequence: frameshift variant.
Genome position (GRCh38, 1-based): chr8:38,416,053, C deleted on the plus strand (G on the coding strand, the reverse complement: FGFR1 is on the minus strand). VCF-style (leftmost placement, unchanged base first): chr8-38416052-AC-A. GRCh37 (hg19) VCF-style: chr8-38273570-AC-A.
Other names: c.1665del, p.Leu555fs (NM_001174063.2, NM_001174065.2, NM_001354367.2 and 1 more transcripts); c.1641del, p.Leu547fs (NM_001174064.2); c.1404del, p.Leu468fs (NM_001174066.2, NM_023105.3); c.1764del, p.Leu588fs (NM_001174067.2); c.1392del, p.Leu464fs (NM_001354368.2); c.1659del, p.Leu553fs (NM_001354369.2); c.1398del, p.Leu466fs (NM_001354370.2, NM_023106.3); c.1764delG (NM_001174067.1); short protein forms L555fs, L464fs, L468fs, L466fs, L547fs, L588fs, L553fs, L557fs.
Identifiers: ClinVar variation 931981 (VCV000931981.3), dbSNP rs1816433701, ClinGen allele CA1139660465.